The following is an entry in ClinVar:

NM_000553.6(WRN):c.2411A>G (p.Lys804Arg)

Gene: WRN (WRN RecQ like helicase; plus strand). Cytogenetic location: 8p12.
Variant type: single nucleotide variant.
Coding change: c.2411A>G on transcript NM_000553.6 (MANE Select); coding-DNA position 2411, A replaced by G.
Protein change: p.Lys804Arg; replaces lysine 804 with arginine.
Molecular consequence: missense variant.
Genome position (GRCh38, 1-based): chr8:31,116,491, A>G. VCF-style: chr8-31116491-A-G. GRCh37 (hg19) VCF-style: chr8-30974007-A-G.
Other names: short protein forms K804R.
Identifiers: ClinVar variation 859313 (VCV000859313.7), dbSNP rs145698720, ClinGen allele CA4704735.

ClinVar aggregate classification (germline): Uncertain significance. Review status: criteria provided, multiple submitters, no conflicts (2 of 4 stars). 2 submissions from 2 submitters: Uncertain significance (2). Last evaluated 2024-05-23.

Conditions:
Werner syndrome (WRN). Identifiers: Orphanet 902, MedGen C0043119, MONDO:0010196, OMIM 277700.

Allele frequency attached by ClinVar (database versions not stated): gnomAD exomes below 0.00001; ExAC 0.00002; TOPMed 0.00003; gnomAD 0.00004; ESP Exome Variant Server 0.00015.
gnomAD v4.1: 7 of 1,614,044 alleles (0.00043%); highest among the groups gnomAD compares: African/African-American, 0.0093%; no homozygotes.

Submissions (2):

Fulgent Genetics
Classification: Uncertain significance for Werner syndrome. Last evaluated: 2024-05-23. Review status: criteria provided, single submitter. Criteria: ACMG Guidelines, 2015. Collection method: clinical testing. Allele origin: germline.

Labcorp Genetics (formerly Invitae), Labcorp
Classification: Uncertain significance for Werner syndrome. Last evaluated: 2024-04-10. Review status: criteria provided, single submitter. Criteria: Invitae Variant Classification Sherloc (09022015). Collection method: clinical testing. Allele origin: germline.
Comment: This sequence change replaces lysine, which is basic and polar, with arginine, which is basic and polar, at codon 804 of the WRN protein (p.Lys804Arg). This variant is present in population databases (rs145698720, gnomAD 0.01%). This variant has not been reported in the literature in individuals affected with WRN-related conditions. ClinVar contains an entry for this variant (Variation ID: 859313). Algorithms developed to predict the effect of missense changes on protein structure and function output the following: SIFT: "Not Available"; PolyPhen-2: "Benign"; Align-GVGD: "Not Available". The arginine amino acid residue is found in multiple mammalian species, which suggests that this missense change does not adversely affect protein function. In summary, the available evidence is currently insufficient to determine the role of this variant in disease. Therefore, it has been classified as a Variant of Uncertain Significance.